The following is an entry in ClinVar:

ClinVar aggregate classification (germline): Uncertain significance. Review status: criteria provided, multiple submitters, no conflicts (2 of 4 stars). 3 submissions from 3 submitters: Uncertain significance (3). Last evaluated 2025-08-29.

Conditions:
FDFT1-related disorder. Also called: FDFT1-related condition.

gnomAD v4.1: 37 of 1,613,658 alleles (0.0023%); highest among the groups gnomAD compares: South Asian, 0.013%; no homozygotes.

Submissions (3):

Ambry Genetics
Classification: Uncertain significance. Last evaluated: 2025-08-29. Review status: criteria provided, single submitter. Criteria: Ambry Variant Classification Scheme 2023. Collection method: clinical testing. Allele origin: germline.

PreventionGenetics, part of Exact Sciences
Classification: Uncertain significance for FDFT1-related condition. Last evaluated: 2025-08-22. Review status: criteria provided, single submitter. Criteria: ACMG Guidelines, 2015. Collection method: clinical testing. Allele origin: germline.
Comment: The FDFT1 c.971A>G variant is predicted to result in the amino acid substitution p.Asn324Ser. To our knowledge, this variant has not been reported in the literature. This variant is reported in 0.016% of alleles in individuals of South Asian descent in gnomAD. At this time, the clinical significance of this variant is uncertain due to the absence of conclusive functional and genetic evidence.

Blueprint Genetics
Classification: Uncertain significance. Last evaluated: 2024-03-25. Review status: criteria provided, single submitter. Criteria: ACMG Guidelines, 2015. Collection method: clinical testing. Allele origin: germline.

NM_004462.5(FDFT1):c.794A>G (p.Asn265Ser)

Gene: FDFT1 (farnesyl-diphosphate farnesyltransferase 1). Cytogenetic location: 8p23.1.
Variant type: single nucleotide variant.
Coding change: c.794A>G on transcript NM_004462.5 (MANE Select); coding-DNA position 794, A replaced by G.
Protein change: p.Asn265Ser; replaces asparagine 265 with serine.
Molecular consequence: missense variant.
Genome position (GRCh38, 1-based): chr8:11,830,335, A>G. VCF-style: chr8-11830335-A-G. GRCh37 (hg19) VCF-style: chr8-11687844-A-G.
Other names: c.971A>G (NM_001287750.1); c.794A>G, p.Asn265Ser (NM_001287742.2, NM_001287743.2); c.602A>G, p.Asn201Ser (NM_001287744.2, NM_001287745.2, NM_001287747.2 and 2 more transcripts); c.971A>G, p.Asn324Ser (NM_001287750.2); c.539A>G, p.Asn180Ser (NM_001287751.2); c.293A>G, p.Asn98Ser (NM_001287756.2); short protein forms N201S, N324S, N180S, N265S, N98S.
Identifiers: ClinVar variation 4256675 (VCV004256675.3).